The following is an entry in ClinVar:

ClinVar aggregate classification (germline): Uncertain significance (1 of 4 stars; one submission).

Conditions:
Holoprosencephaly 3 (HPE3). Identifiers: Orphanet 2162, MedGen C1840529, MONDO:0007733, OMIM 142945.

Submission:

Labcorp Genetics (formerly Invitae), Labcorp
Classification: Uncertain significance for Holoprosencephaly 3. Last evaluated: 2025-05-20. Review status: criteria provided, single submitter. Criteria: Invitae Variant Classification Sherloc (09022015). Collection method: clinical testing. Allele origin: germline.
Comment: This variant occurs in a non-coding region of the SHH gene. It does not change the encoded amino acid sequence of the SHH protein. This variant is not present in population databases (gnomAD no frequency). This variant has not been reported in the literature in individuals affected with SHH-related conditions. Experimental studies and prediction algorithms are not available or were not evaluated, and the functional significance of this variant is currently unknown. In summary, the available evidence is currently insufficient to determine the role of this variant in disease. Therefore, it has been classified as a Variant of Uncertain Significance.

NC_000007.14:g.156795936A>C

Genes: LMBR1 (limb development membrane protein 1; minus strand), SHH (sonic hedgehog signaling molecule; minus strand). Cytogenetic location: 7q36.3.
Variant type: single nucleotide variant.
Molecular consequence: intron variant (on NM_022458.4).
Genome position: GRCh38 VCF-style: chr7-156795936-A-C. GRCh37 (hg19) VCF-style: chr7-156588630-A-C.
Other names: c.360+453T>G (NM_001363412.2); c.144+453T>G (NM_001350954.2); c.423+453T>G (NM_001363410.2, NM_022458.4, NM_001363409.2 and 1 more transcripts); c.-112+453T>G (NM_001350958.2, NM_001350956.2, NM_001350955.2 and 1 more transcripts); c.54+453T>G (NM_001350957.2, NM_001363411.2).
Identifiers: ClinVar variation 4770719 (VCV004770719.1).